The following is an entry in ClinVar:

NM_001365536.1(SCN9A):c.2217dup (p.Ile740fs)

Genes: SCN1A-AS1 (SCN1A and SCN9A antisense RNA 1; plus strand), SCN9A (sodium voltage-gated channel alpha subunit 9; minus strand). Cytogenetic location: 2q24.3.
Variant type: Duplication.
Coding change: c.2217dup on transcript NM_001365536.1 (MANE Select); coding-DNA position 2217, one base duplicated (T; older notation c.2217dupT).
Protein change: p.Ile740fs; shifts the reading frame from isoleucine 740.
Molecular consequence: frameshift variant.
Genome position (GRCh38, 1-based): chr2:166,280,483, A duplicated on the plus strand (T on the coding strand, the reverse complement: SCN9A is on the minus strand); the first of 4 consecutive A bases (chr2:166,280,483-166,280,486); duplicating any one gives the same sequence. VCF-style (leftmost placement, unchanged base first): chr2-166280482-T-TA. GRCh37 (hg19) VCF-style: chr2-167136992-T-TA.
Other names: c.2181dup, p.Ile729Tyrfs (NM_002977.4); short protein forms I729fs, I740fs.
Identifiers: ClinVar variation 2027290 (VCV002027290.4), dbSNP rs2468019480, ClinGen allele CA2580064366.

ClinVar aggregate classification (germline): Pathogenic (1 of 4 stars; one submission).

Conditions:
Neuropathy, hereditary sensory and autonomic, type 2A (HSAN2A). Also called: WNK1-Related HSAN2 (HSAN2A); ACROOSTEOLYSIS, GIACCAI TYPE; ACROOSTEOLYSIS, NEUROGENIC; HSAN IIA; MORVAN DISEASE; NEUROPATHY, CONGENITAL SENSORY. Identifiers: Orphanet 970, MedGen C2752089, MONDO:0024309, OMIM 201300.
Generalized epilepsy with febrile seizures plus, type 7 (GEFSP7). Also called: GEFS+, TYPE 7. Identifiers: Orphanet 36387, MedGen C2751778, MONDO:0013470, OMIM 613863.

Submission:

Labcorp Genetics (formerly Invitae), Labcorp
Classification: Pathogenic for Neuropathy, hereditary sensory and autonomic, type 2A; Generalized epilepsy with febrile seizures plus, type 7. Last evaluated: 2022-08-27. Review status: criteria provided, single submitter. Criteria: Invitae Variant Classification Sherloc (09022015). Collection method: clinical testing. Allele origin: germline.
Comment: For these reasons, this variant has been classified as Pathogenic. This variant has not been reported in the literature in individuals affected with SCN9A-related conditions. This variant is not present in population databases (gnomAD no frequency). This sequence change creates a premature translational stop signal (p.Ile729Tyrfs*31) in the SCN9A gene. It is expected to result in an absent or disrupted protein product. Loss-of-function variants in SCN9A are known to be pathogenic (PMID: 17470132, 19304393).

Literature cited by the submitters: PubMed 17470132; PubMed 19304393.